The following is an entry in ClinVar:

NM_002473.6(MYH9):c.2606C>A (p.Thr869Lys)

Gene: MYH9 (myosin heavy chain 9; minus strand). Cytogenetic location: 22q12.3.
Variant type: single nucleotide variant.
Coding change: c.2606C>A on transcript NM_002473.6 (MANE Select); coding-DNA position 2606, C replaced by A.
Protein change: p.Thr869Lys; replaces threonine 869 with lysine.
Molecular consequence: missense variant.
Genome position (GRCh38, 1-based): chr22:36,301,559, G>T on the plus strand (C>A on the coding strand, the complement: MYH9 is on the minus strand). VCF-style: chr22-36301559-G-T. GRCh37 (hg19) VCF-style: chr22-36697605-G-T.
Other names: short protein forms T869K.
Identifiers: ClinVar variation 3367978 (VCV003367978.1).

ClinVar aggregate classification (germline): Uncertain significance (1 of 4 stars; one submission).

gnomAD v4.1: 6 of 1,613,630 alleles (0.00037%); highest among the groups gnomAD compares: Non-Finnish European, 0.00042%; no homozygotes.

Submission:

GeneDx
Classification: Uncertain significance. Last evaluated: 2024-01-19. Review status: criteria provided, single submitter. Criteria: GeneDx Variant Classification Process June 2021. Collection method: clinical testing. Allele origin: germline. Affected: yes.
Comment: Not observed at significant frequency in large population cohorts (gnomAD); In silico analysis supports that this missense variant does not alter protein structure/function; Has not been previously published as pathogenic or benign to our knowledge